The following is an entry in ClinVar:

NM_000287.4(PEX6):c.2057T>C (p.Leu686Pro)

Gene: PEX6 (peroxisomal biogenesis factor 6; minus strand). Cytogenetic location: 6p21.1.
Variant type: single nucleotide variant.
Coding change: c.2057T>C on transcript NM_000287.4 (MANE Select); coding-DNA position 2057, T replaced by C.
Protein change: p.Leu686Pro; replaces leucine 686 with proline.
Molecular consequence: missense variant. On other transcripts: non-coding transcript variant (1).
Genome position (GRCh38, 1-based): chr6:42,966,562, A>G on the plus strand (T>C on the coding strand, the complement: PEX6 is on the minus strand). VCF-style: chr6-42966562-A-G. GRCh37 (hg19) VCF-style: chr6-42934300-A-G.
Other names: c.1793T>C, p.Leu598Pro (NM_001316313.2); short protein forms L598P, L686P.
Identifiers: ClinVar variation 2635842 (VCV002635842.2), dbSNP rs1769816965, ClinGen allele CA364152677.

ClinVar aggregate classification (germline): Uncertain significance (1 of 4 stars; one submission).

Conditions:
PEX6-related disorder. Also called: PEX6-related disorders; PEX6-related condition.

Allele frequency attached by ClinVar (database versions not stated): gnomAD exomes below 0.00001; TOPMed below 0.00001; gnomAD 0.00001.
gnomAD v4.1: 4 of 1,614,032 alleles (0.00025%); highest among the groups gnomAD compares: Non-Finnish European, 0.00025%; no homozygotes.

Submission:

PreventionGenetics, part of Exact Sciences
Classification: Uncertain significance for PEX6-related condition. Last evaluated: 2025-01-28. Review status: criteria provided, single submitter. Criteria: ACMG Guidelines, 2015. Collection method: clinical testing. Allele origin: germline.
Comment: The PEX6 c.2057T>C variant is predicted to result in the amino acid substitution p.Leu686Pro. To our knowledge, this variant has not been reported in the literature or in a large population database (gnomAD), indicating this variant is rare. At this time, the clinical significance of this variant is uncertain due to the absence of conclusive functional and genetic evidence.